The following is an entry in ClinVar:

ClinVar aggregate classification (germline): Likely pathogenic (1 of 4 stars; one submission).

Conditions:
ALG6-congenital disorder of glycosylation 1C (CDG1C). Also called: CARBOHYDRATE-DEFICIENT GLYCOPROTEIN SYNDROME, TYPE I, WITH DEFICIENT GLYCOSYLATION OF DOLICHOL-LINKED OLIGOSACCHARIDE; CARBOHYDRATE-DEFICIENT GLYCOPROTEIN SYNDROME, TYPE V; Congenital disorder of glycosylation, type Ic; Congenital disorder of glycosylation type 1C; CDG Ic. Identifiers: Orphanet 79320, MedGen C2930997, MONDO:0011291, OMIM 603147.

Submission:

Labcorp Genetics (formerly Invitae), Labcorp
Classification: Likely pathogenic for ALG6-congenital disorder of glycosylation 1C. Last evaluated: 2021-10-29. Review status: criteria provided, single submitter. Criteria: Invitae Variant Classification Sherloc (09022015). Collection method: clinical testing. Allele origin: germline.
Comment: This variant is not present in population databases (gnomAD no frequency). This variant has not been reported in the literature in individuals affected with ALG6-related conditions. Algorithms developed to predict the effect of sequence changes on RNA splicing suggest that this variant may disrupt the consensus splice site. In summary, the currently available evidence indicates that the variant is pathogenic, but additional data are needed to prove that conclusively. Therefore, this variant has been classified as Likely Pathogenic. This variant results in the deletion of part of exon 5 (c.258-9_267del) of the ALG6 gene. It is expected to disrupt RNA splicing. Variants that disrupt the donor or acceptor splice site typically lead to a loss of protein function (PMID: 16199547), and loss-of-function variants in ALG6 are known to be pathogenic (PMID: 19862844).

Literature cited by the submitters: PubMed 16199547; PubMed 19862844.

NM_013339.4(ALG6):c.258-9_267del

Gene: ALG6 (ALG6 alpha-1,3-glucosyltransferase; plus strand). Cytogenetic location: 1p31.3.
Variant type: Deletion.
Coding change: c.258-9_267del on transcript NM_013339.4 (MANE Select); 9 bases into the intron before coding-DNA position 258 through coding-DNA position 267, 19 bases deleted (GATTTGCAGGGCAAAGTTT).
Molecular consequence: splice acceptor variant.
Genome position (GRCh38, 1-based): chr1:63,404,444-63,404,462, GATTTGCAGGGCAAAGTTT deleted; deleting any 19 consecutive bases within chr1:63,404,441-63,404,462 gives the same sequence; the c. name uses the placement nearest the transcript's 3' end. VCF-style (leftmost placement, unchanged base first): chr1-63404440-CTTTGATTTGCAGGGCAAAG-C. GRCh37 (hg19) VCF-style: chr1-63870111-CTTTGATTTGCAGGGCAAAG-C.
Identifiers: ClinVar variation 1347132 (VCV001347132.6), dbSNP rs2100415350, ClinGen allele CA2573132534.
Genomic context (GRCh38, chr1:63,404,440, plus strand): 5'-ATATATCCTTCAATATCTTTATTGCTAAAAGGGATGAGGAATGAAGTATCTGTATATATG[CTTTGATTTGCAGGGCAAAG>C]TTTATAAATCCAGACTGGATTGCTCTCCATACATCACGTGGATATGAGAGTCAGGCACAT-3'